The following is an entry in ClinVar:

NM_005529.7(HSPG2):c.5891G>A (p.Arg1964Lys)

Gene: HSPG2 (heparan sulfate proteoglycan 2; minus strand). Cytogenetic location: 1p36.12.
Variant type: single nucleotide variant.
Coding change: c.5891G>A on transcript NM_005529.7 (MANE Select); coding-DNA position 5891, G replaced by A.
Protein change: p.Arg1964Lys; replaces arginine 1964 with lysine.
Molecular consequence: missense variant.
Genome position (GRCh38, 1-based): chr1:21,855,410, C>T on the plus strand (G>A on the coding strand, the complement: HSPG2 is on the minus strand). VCF-style: chr1-21855410-C-T. GRCh37 (hg19) VCF-style: chr1-22181903-C-T.
Other names: c.5894G>A, p.Arg1965Lys (NM_001291860.2); c.5891G>A (NM_005529.5); short protein forms R1964K, R1965K.
Identifiers: ClinVar variation 804904 (VCV000804904.12), dbSNP rs373448635, ClinGen allele CA671755.

ClinVar aggregate classification (germline): Uncertain significance. Review status: criteria provided, multiple submitters, no conflicts (2 of 4 stars). 6 submissions from 6 submitters: Uncertain significance (4). 2 of the submissions do not count toward it. Last evaluated 2025-07-01.

Conditions:
Inborn genetic diseases. Identifiers: MedGen C0950123, MeSH D030342.

Allele frequency attached by ClinVar (database versions not stated): gnomAD exomes 0.00013 and 0.00009; gnomAD 0.00014 and 0.00013; ESP Exome Variant Server 0.00015; TOPMed 0.00005; ExAC 0.00008.
gnomAD v4.1: 210 of 1,613,120 alleles (0.013%); highest among the groups gnomAD compares: Non-Finnish European, 0.017%; 1 homozygote.

Submissions (6):

Ambry Genetics
Classification: Uncertain significance for Inborn genetic diseases. Last evaluated: 2025-07-01. Review status: criteria provided, single submitter. Criteria: Ambry Variant Classification Scheme 2023. Collection method: clinical testing. Allele origin: germline.

Labcorp Genetics (formerly Invitae), Labcorp
Classification: Uncertain significance. Last evaluated: 2021-12-25. Review status: criteria provided, single submitter. Criteria: Invitae Variant Classification Sherloc (09022015). Collection method: clinical testing. Allele origin: germline.
Comment: This sequence change replaces arginine, which is basic and polar, with lysine, which is basic and polar, at codon 1964 of the HSPG2 protein (p.Arg1964Lys). This variant is present in population databases (rs373448635, gnomAD 0.02%). This variant has not been reported in the literature in individuals affected with HSPG2-related conditions. ClinVar contains an entry for this variant (Variation ID: 804904). Algorithms developed to predict the effect of missense changes on protein structure and function output the following: SIFT: "Tolerated"; PolyPhen-2: "Benign"; Align-GVGD: "Class C0". The lysine amino acid residue is found in multiple mammalian species, which suggests that this missense change does not adversely affect protein function. In summary, the available evidence is currently insufficient to determine the role of this variant in disease. Therefore, it has been classified as a Variant of Uncertain Significance.

Revvity Omics, Revvity
Classification: Uncertain significance. Last evaluated: 2019-06-10. Review status: criteria provided, single submitter. Criteria: ACMG Guidelines, 2015. Collection method: clinical testing. Allele origin: germline.

Athena Diagnostics
Classification: Uncertain significance. Last evaluated: 2019-01-28. Review status: criteria provided, single submitter. Criteria: Athena Diagnostics Criteria. Collection method: clinical testing. Allele origin: germline.

Clinical Genetics DNA and cytogenetics Diagnostics Lab, Erasmus MC, Erasmus Medical Center
Classification: Likely benign. Review status: no assertion criteria provided. Collection method: clinical testing. Allele origin: germline. Affected: yes. Study: VKGL Data-share Consensus. Not counted in ClinVar's aggregate classification.

Laboratory of Diagnostic Genome Analysis, Leiden University Medical Center (LUMC)
Classification: Likely benign. Review status: no assertion criteria provided. Collection method: clinical testing. Allele origin: germline. Affected: yes. Study: VKGL Data-share Consensus. Not counted in ClinVar's aggregate classification.